The following is an entry in ClinVar:

NM_021930.6(RINT1):c.91G>A (p.Asp31Asn)

Gene: RINT1 (RAD50 interactor 1; plus strand). Cytogenetic location: 7q22.3.
Variant type: single nucleotide variant.
Coding change: c.91G>A on transcript NM_021930.6 (MANE Select); coding-DNA position 91, G replaced by A.
Protein change: p.Asp31Asn; replaces aspartic acid 31 with asparagine.
Molecular consequence: missense variant. On other transcripts: 5 prime UTR variant (4), non-coding transcript variant (1).
Genome position (GRCh38, 1-based): chr7:105,536,567, G>A. VCF-style: chr7-105536567-G-A. GRCh37 (hg19) VCF-style: chr7-105177014-G-A.
Other names: c.-7G>A (NM_001346599.2); c.-929G>A (NM_001346600.2); c.-832G>A (NM_001346601.2); c.-452G>A (NM_001346603.2); short protein forms D31N.
Identifiers: ClinVar variation 4863327 (VCV004863327.1).

ClinVar aggregate classification (germline): Uncertain significance (1 of 4 stars; one submission).

Submission:

Ambry Genetics
Classification: Uncertain significance. Last evaluated: 2026-04-04. Review status: criteria provided, single submitter. Criteria: Ambry Variant Classification Scheme 2023. Collection method: clinical testing. Allele origin: germline.
Comment: The p.D31N variant (also known as c.91G>A), located in coding exon 3 of the RINT1 gene, results from a G to A substitution at nucleotide position 91. The aspartic acid at codon 31 is replaced by asparagine, an amino acid with highly similar properties. This amino acid position is conserved. In addition, this alteration is predicted to be tolerated by in silico analysis. Based on the available evidence, the clinical significance of this variant remains unclear.